The following is an entry in ClinVar:

ClinVar aggregate classification (germline): Benign (1 of 4 stars; one submission).

Allele frequency attached by ClinVar (database versions not stated): gnomAD 0.02035 and 0.02125; TOPMed 0.02325; 1000 Genomes Project 0.02855; 1000 Genomes Project 30x 0.02983.
gnomAD v4.1: 3,072 of 152,338 alleles (2%); highest among the groups gnomAD compares: African/African-American, 6.7%; 93 homozygotes.

Submissions (3):

GeneDx
Classification: Benign. Last evaluated: 2018-06-19. Review status: criteria provided, single submitter. Criteria: GeneDx Variant Classification (06012015). Collection method: clinical testing. Allele origin: germline. Affected: yes.
Comment: This variant is considered likely benign or benign based on one or more of the following criteria: it is a conservative change, it occurs at a poorly conserved position in the protein, it is predicted to be benign by multiple in silico algorithms, and/or has population frequency not consistent with disease.

Dr. Peter K. Rogan Lab, Western University
No classification provided (evidence only). Condition: Cervical cancer. Review status: no classification provided. Collection method: in vitro. Allele origin: not applicable. Functional consequence: retained intron. Not counted in ClinVar's aggregate classification.

Dr. Peter K. Rogan Lab, Western University
No classification provided (evidence only). Condition: Malignant tumor of esophagus. Review status: no classification provided. Collection method: in vitro. Allele origin: not applicable. Functional consequence: retained intron. Not counted in ClinVar's aggregate classification.

NM_020822.3(KCNT1):c.2841+212G>A

Gene: KCNT1 (potassium sodium-activated channel subfamily T member 1; plus strand). Cytogenetic location: 9q34.3.
Variant type: single nucleotide variant.
Coding change: c.2841+212G>A on transcript NM_020822.3 (MANE Select); 212 bases into the intron after coding-DNA position 2841, G replaced by A.
Molecular consequence: intron variant.
Genome position (GRCh38, 1-based): chr9:135,779,682, G>A. VCF-style: chr9-135779682-G-A. GRCh37 (hg19) VCF-style: chr9-138671528-G-A.
Other names: NC_000009.11:g.138671528G>A; c.2706+212G>A (NM_001272003.2).
Identifiers: ClinVar variation 677349 (VCV000677349.2), dbSNP rs7024528, ClinGen allele CA201481359.